The following is an entry in ClinVar:

NM_181697.3(PRDX1):c.515-2A>T

Genes: MMACHC (metabolism of cobalamin associated C; plus strand), PRDX1 (peroxiredoxin 1; minus strand). Cytogenetic location: 1p34.1.
Variant type: single nucleotide variant.
Coding change: c.515-2A>T on transcript NM_181697.3 (MANE Select); the canonical splice acceptor site of the intron before coding-DNA position 515, A replaced by T.
Molecular consequence: splice acceptor variant. On other transcripts: 3 prime UTR variant (2).
Genome position (GRCh38, 1-based): chr1:45,511,416, T>A on the plus strand (A>T on the coding strand, the complement: PRDX1 is on the minus strand). VCF-style: chr1-45511416-T-A. GRCh37 (hg19) VCF-style: chr1-45977088-T-A.
Other names: IVS5AS, -2, A-T; c.*2201T>A (NM_001330540.2, NM_015506.3); c.515-2A>T (NM_001202431.2, NM_181696.3, NM_002574.4).
Identifiers: ClinVar variation 495210 (VCV000495210.6), dbSNP rs1379672870, ClinGen allele CA340135232.

ClinVar aggregate classification (germline): Pathogenic/Likely pathogenic. Review status: criteria provided, multiple submitters, no conflicts (2 of 4 stars). 3 submissions from 3 submitters: Pathogenic (1); Likely pathogenic (1). 1 of the submissions does not count toward it. Last evaluated 2026-03-10.

Conditions:
METHYLMALONIC ACIDURIA AND HOMOCYSTINURIA, cblC TYPE, DIGENIC. Identifiers: MedGen C4693974, OMIM 277400.
Cobalamin C disease. Also called: Methylmalonic aciduria and homocystinuria, Vitamin B12-responsive; Vitamin B12 metabolic defect with combined deficiency of methylmalonyl-CoA mutase and homocysteine:methyltetrahydrofolate methyltransferase; Cobalamin-C methylmalonic acidemia and homocystinuria; Methylmalonic acidemia and homocystinuria cblC type; Methylmalonic aciduria with homocystinuria cblC type; methylmalonic aciduria and homocystinuria type cblC. Identifiers: Orphanet 26, Orphanet 79282, MedGen C1848561, MONDO:0010184, OMIM 277400.

Allele frequency attached by ClinVar (database versions not stated): gnomAD exomes below 0.00001.
gnomAD v4.1: 3 of 1,611,862 alleles (0.00019%); highest among the groups gnomAD compares: East Asian, 0.0067%; no homozygotes.

Submissions (3):

Women's Health and Genetics/Laboratory Corporation of America, LabCorp
Classification: Likely pathogenic for Cobalamin C disease. Last evaluated: 2026-03-10. Review status: criteria provided, single submitter. Criteria: LabCorp Variant Classification Summary - May 2015. Collection method: clinical testing. Allele origin: germline.
Comment: Variant summary: MMACHC c.*2201T>A is located in the untranslated mRNA region downstream of the termination codon. This nucleotide change can also be described as a splice site mutation c.515-2A>T in the PRDX1 gene, which is adjacent to the 3' end of MMACHC in the opposite orientation. Consensus agreement among computation tools predict no significant impact on normal splicing. However, one publication reports experimental evidence that this variant affects mRNA splicing, finding that a patient compound heterozygous with this variant and a synonymous MMACHC variant had no detectible MMACHC mRNA but did express aberrant antisense MMACHC transcript (Gueant_2018). The variant was described as PRDX1 c.515-2A>T in this patient who was affected with Cobalamin C Disease (Methylmalonic Aciduria With Homocystinuria), and occurred in cis with an epimutation, i.e. hypermethylated CpG sites, of the MMACHC promotor in the patient and their father. The authors proposed a mechanism whereby disruption of the PRDX1 splice site results in antisense transcription of MMACHC, which causes the hypermethylated promoter and MMACHC silencing in each generation of the family carrying the variant. A different variant affecting the same PRDX1 splice site (c.515-1G>T) had the same effect on splicing, occured with the same epimutation in cis, and was found in multiple patients in trans with different MMACHC variants (e.g. Gueant_2018, PMID 34215320). The variant allele was found at a frequency of 4e-06 in 249056 control chromosomes (gnomAD). The following publication has been ascertained in the context of this evaluation (PMID: 29302025). ClinVar contains an entry for this variant (Variation ID: 495210). Based on the evidence outlined above, the variant was classified as likely pathogenic.

3billion
Classification: Pathogenic for Cobalamin C disease. Last evaluated: 2025-12-10. Review status: criteria provided, single submitter. Criteria: ACMG Guidelines, 2015. Collection method: clinical testing. Allele origin: germline. Affected: yes.
Comment: The variant is observed at an extremely low frequency in the gnomAD v4.1.0 dataset (total allele frequency: <0.001%). Predicted Consequence/Location: 3' UTR variant Functional studies provide strong evidence of the variant having a damaging effect on the gene or gene product (PMID: 29302025). The variant has been reported at least twice as pathogenic with clinical assertions and evidence for the classification (PMID: 29302025, 35190856). Therefore, this variant is classified as Pathogenic according to the recommendation of ACMG/AMP guideline.

OMIM
Classification: Pathogenic for METHYLMALONIC ACIDURIA AND HOMOCYSTINURIA, cblC TYPE, DIGENIC. Last evaluated: 2023-04-04. Review status: no assertion criteria provided. Collection method: literature only. Allele origin: germline. Not counted in ClinVar's aggregate classification.

Literature cited by the submitters: PubMed 29302025 (cited by Women's Health and Genetics/Laboratory Corporation of America, LabCorp and 3billion); PubMed 35190856 (cited by OMIM).